The following is an entry in ClinVar:

ClinVar aggregate classification (germline): Likely benign (1 of 4 stars; one submission).

Submission:

CeGaT Center for Human Genetics Tuebingen
Classification: Likely benign. Last evaluated: 2026-09-01. Review status: criteria provided, single submitter. Criteria: CeGaT Center For Human Genetics Tuebingen Variant Classification Criteria Version 2. Collection method: clinical testing. Allele origin: germline. Affected: yes. Observed: 1 variant allele.
Comment: NLGN4X: BP4, BP7

NM_181332.3(NLGN4X):c.1173G>A (p.Thr391=)

Gene: NLGN4X (neuroligin 4 X-linked; minus strand). Cytogenetic location: Xp22.32.
Variant type: single nucleotide variant.
Coding change: c.1173G>A on transcript NM_181332.3 (MANE Select); coding-DNA position 1173, G replaced by A.
Protein change: p.Thr391=; no amino-acid change (threonine 391 retained).
Molecular consequence: synonymous variant.
Genome position (GRCh38, 1-based): chrX:5,903,505, C>T on the plus strand (G>A on the coding strand, the complement: NLGN4X is on the minus strand). VCF-style: chrX-5903505-C-T. GRCh37 (hg19) VCF-style: chrX-5821546-C-T.
Other names: c.1173G>A, p.Thr391= (NM_001282145.2, NM_001282146.2, NM_001441322.1 and 4 more transcripts).
Identifiers: ClinVar variation 5041453 (VCV005041453.1).